The following is an entry in ClinVar:

ClinVar aggregate classification (germline): Likely benign. Review status: criteria provided, multiple submitters, no conflicts (2 of 4 stars). 2 submissions from 2 submitters: Likely benign (2). Last evaluated 2026-07-07.

Conditions:
Rhabdoid tumor predisposition syndrome 2 (RTPS2). Identifiers: Orphanet 231108, Orphanet 69077, MedGen C2750074, MONDO:0013224, OMIM 613325.

Allele frequency attached by ClinVar (database versions not stated): gnomAD 0.00001; ExAC 0.00001; gnomAD exomes 0.00002.
gnomAD v4.1: 9 of 1,609,512 alleles (0.00056%); highest among the groups gnomAD compares: Middle Eastern, 0.017%; no homozygotes.

Submissions (2):

Myriad Genetics, Inc.
Classification: Likely benign for Rhabdoid tumor predisposition syndrome 2. Last evaluated: 2026-07-07. Review status: criteria provided, single submitter. Criteria: Myriad Autosomal Dominant, Autosomal Recessive and X-Linked Classification Criteria (2023). Collection method: clinical testing. Allele origin: unknown.
Comment: This variant is considered likely benign. This variant is intronic and is not expected to impact mRNA splicing.

Labcorp Genetics (formerly Invitae), Labcorp
Classification: Likely benign for Rhabdoid tumor predisposition syndrome 2. Last evaluated: 2026-01-25. Review status: criteria provided, single submitter. Criteria: Invitae Variant Classification Sherloc (09022015). Collection method: clinical testing. Allele origin: germline.

NM_003072.5(SMARCA4):c.3383-15C>T

Gene: SMARCA4 (SWI/SNF related BAF chromatin remodeling complex subunit ATPase 4; plus strand). Cytogenetic location: 19p13.2.
Variant type: single nucleotide variant.
Coding change: c.3383-15C>T on transcript NM_003072.5 (MANE Select); 15 bases into the intron before coding-DNA position 3383, C replaced by T.
Molecular consequence: intron variant.
Genome position (GRCh38, 1-based): chr19:11,030,715, C>T. VCF-style: chr19-11030715-C-T. GRCh37 (hg19) VCF-style: chr19-11141391-C-T.
Other names: c.3383-15C>T (NM_001128844.3, NM_001128849.3, NM_001128847.4 and 5 more transcripts).
Identifiers: ClinVar variation 1464060 (VCV001464060.10), dbSNP rs745841074, ClinGen allele CA9204414.